The following is an entry in ClinVar:

NM_000301.5(PLG):c.239_240delinsTT (p.Arg80Ile)

Gene: PLG (plasminogen; plus strand). Cytogenetic location: 6q26.
Variant type: Indel.
Coding change: c.239_240delinsTT on transcript NM_000301.5 (MANE Select); coding-DNA positions 239 to 240, GG replaced by TT.
Protein change: p.Arg80Ile; replaces arginine 80 with isoleucine.
Molecular consequence: missense variant.
Genome position (GRCh38, 1-based): chr6:160,707,753-160,707,754, GG replaced by TT. VCF-style: chr6-160707753-GG-TT. GRCh37 (hg19) VCF-style: chr6-161128785-GG-TT.
Other names: c.239_240delinsTT, p.Arg80Ile (NM_001168338.1); short protein forms R80I.
Identifiers: ClinVar variation 3672690 (VCV003672690.2).

ClinVar aggregate classification (germline): Uncertain significance (1 of 4 stars; one submission).

Submission:

Labcorp Genetics (formerly Invitae), Labcorp
Classification: Uncertain significance. Last evaluated: 2025-01-06. Review status: criteria provided, single submitter. Criteria: Invitae Variant Classification Sherloc (09022015). Collection method: clinical testing. Allele origin: germline.
Comment: This sequence change replaces arginine, which is basic and polar, with isoleucine, which is neutral and non-polar, at codon 80 of the PLG protein (p.Arg80Ile). The frequency data for this variant in the population databases is considered unreliable, as metrics indicate poor data quality at this position in the gnomAD database. This variant has not been reported in the literature in individuals affected with PLG-related conditions. An algorithm developed to predict the effect of missense changes on protein structure and function (PolyPhen-2) suggests that this variant is likely to be tolerated. In summary, the available evidence is currently insufficient to determine the role of this variant in disease. Therefore, it has been classified as a Variant of Uncertain Significance.